The following is an entry in ClinVar:

NM_002354.3(EPCAM):c.298G>A (p.Asp100Asn)

Gene: EPCAM (epithelial cell adhesion molecule; plus strand). Cytogenetic location: 2p21.
Variant type: single nucleotide variant.
Coding change: c.298G>A on transcript NM_002354.3 (MANE Select); coding-DNA position 298, G replaced by A.
Protein change: p.Asp100Asn; replaces aspartic acid 100 with asparagine.
Molecular consequence: missense variant.
Genome position (GRCh38, 1-based): chr2:47,373,921, G>A. VCF-style: chr2-47373921-G-A. GRCh37 (hg19) VCF-style: chr2-47601060-G-A.
Other names: c.298G>A (NM_002354.2); short protein forms D100N.
Identifiers: ClinVar variation 1044523 (VCV001044523.7), dbSNP rs149274310, ClinGen allele CA1648949.

ClinVar aggregate classification (germline): Conflicting classifications of pathogenicity. Review status: criteria provided, conflicting classifications (1 of 4 stars). 2 submissions from 2 submitters: Uncertain significance (1); Benign (1). Last evaluated 2022-01-01.

Conditions:
Hereditary nonpolyposis colorectal neoplasms. Identifiers: MedGen C0009405, MeSH D003123.
Ovarian cancer. Also called: OVARIAN CANCER, SOMATIC. Identifiers: Orphanet 213500, MedGen C1140680, MONDO:0008170, OMIM 167000.

Allele frequency attached by ClinVar (database versions not stated): gnomAD 0.00005 and 0.00007; gnomAD exomes 0.00005 and 0.00010; TOPMed 0.00008; ExAC 0.00009; 1000 Genomes Project 30x 0.00062; 1000 Genomes Project 0.00080.
gnomAD v4.1: 87 of 1,614,096 alleles (0.0054%); highest among the groups gnomAD compares: East Asian, 0.14%; no homozygotes.

Submissions (2):

Laboratory of Molecular Epidemiology of Birth Defects, West China Second University Hospital, Sichuan University
Classification: Benign for Ovarian cancer. Last evaluated: 2022-01-01. Review status: criteria provided, single submitter. Criteria: ACMG Guidelines, 2015. Collection method: clinical testing. Allele origin: germline. Affected: yes.

Labcorp Genetics (formerly Invitae), Labcorp
Classification: Uncertain significance for Hereditary nonpolyposis colorectal neoplasms. Last evaluated: 2021-09-02. Review status: criteria provided, single submitter. Criteria: Invitae Variant Classification Sherloc (09022015). Collection method: clinical testing. Allele origin: germline.
Comment: This sequence change replaces aspartic acid with asparagine at codon 100 of the EPCAM protein (p.Asp100Asn). The aspartic acid residue is moderately conserved and there is a small physicochemical difference between aspartic acid and asparagine. This variant is present in population databases (rs149274310, ExAC 0.1%). This variant has not been reported in the literature in individuals affected with EPCAM-related conditions. Algorithms developed to predict the effect of missense changes on protein structure and function are either unavailable or do not agree on the potential impact of this missense change (SIFT: "Deleterious"; PolyPhen-2: "Probably Damaging"; Align-GVGD: "Class C0"). In summary, the available evidence is currently insufficient to determine the role of this variant in disease. Therefore, it has been classified as a Variant of Uncertain Significance.